The following is an entry in ClinVar:

ClinVar aggregate classification (germline): Uncertain significance (0 of 4 stars; one submission).

Conditions:
OPHN1-related disorder.

Allele frequency attached by ClinVar (database versions not stated): TOPMed below 0.00001.

Submission:

PreventionGenetics, part of Exact Sciences
Classification: Uncertain significance for OPHN1-related condition. Last evaluated: 2023-12-17. Review status: no assertion criteria provided. Collection method: clinical testing. Allele origin: germline.
Comment: The OPHN1 c.2189C>T variant is predicted to result in the amino acid substitution p.Pro730Leu. To our knowledge, this variant has not been reported in the literature. This variant is reported in 0.0012% of alleles in individuals of European (Non-Finnish) descent in gnomAD. At this time, the clinical significance of this variant is uncertain due to the absence of conclusive functional and genetic evidence.

NM_002547.3(OPHN1):c.2189C>T (p.Pro730Leu)

Gene: OPHN1 (oligophrenin 1; minus strand). Cytogenetic location: Xq12.
Variant type: single nucleotide variant.
Coding change: c.2189C>T on transcript NM_002547.3 (MANE Select); coding-DNA position 2189, C replaced by T.
Protein change: p.Pro730Leu; replaces proline 730 with leucine.
Molecular consequence: missense variant.
Genome position (GRCh38, 1-based): chrX:68,053,780, G>A on the plus strand (C>T on the coding strand, the complement: OPHN1 is on the minus strand). VCF-style: chrX-68053780-G-A. GRCh37 (hg19) VCF-style: chrX-67273622-G-A.
Other names: short protein forms P730L.
Identifiers: ClinVar variation 3041301 (VCV003041301.2), dbSNP rs993015202, ClinGen allele CA330807234.